The following is an entry in ClinVar:

NM_001184880.2(PCDH19):c.340G>A (p.Val114Met)

Gene: PCDH19 (protocadherin 19; minus strand). Cytogenetic location: Xq22.1.
Variant type: single nucleotide variant.
Coding change: c.340G>A on transcript NM_001184880.2 (MANE Select); coding-DNA position 340, G replaced by A.
Protein change: p.Val114Met; replaces valine 114 with methionine.
Molecular consequence: missense variant.
Genome position (GRCh38, 1-based): chrX:100,408,258, C>T on the plus strand (G>A on the coding strand, the complement: PCDH19 is on the minus strand). VCF-style: chrX-100408258-C-T. GRCh37 (hg19) VCF-style: chrX-99663256-C-T.
Other names: c.340G>A, p.Val114Met (NM_001105243.2, NM_020766.3); short protein forms V114M.
Identifiers: ClinVar variation 2549630 (VCV002549630.3), dbSNP rs751708323, ClinGen allele CA414010513.

ClinVar aggregate classification (germline): Uncertain significance. Review status: criteria provided, multiple submitters, no conflicts (2 of 4 stars). 2 submissions from 2 submitters: Uncertain significance (2). Last evaluated 2025-10-16.

Conditions:
Inborn genetic diseases. Identifiers: MedGen C0950123, MeSH D030342.
Developmental and epileptic encephalopathy, 9 (DEE9). Also called: EPILEPSY, FEMALE-RESTRICTED, WITH MENTAL RETARDATION; Early infantile epileptic encephalopathy 9; JUBERG-HELLMAN SYNDROME; PCDH19-Related X-Linked Female-Limited Epilepsy with Mental Retardation. Identifiers: Orphanet 101039, Orphanet 2076, MedGen C1848137, MONDO:0010246, OMIM 300088. Disease mechanism: loss of function.

gnomAD v4.1: 23 of 1,211,720 alleles (0.0019%); highest among the groups gnomAD compares: Non-Finnish European, 0.0026%; no homozygotes.

Submissions (2):

Labcorp Genetics (formerly Invitae), Labcorp
Classification: Uncertain significance for Developmental and epileptic encephalopathy, 9. Last evaluated: 2025-10-16. Review status: criteria provided, single submitter. Criteria: Invitae Variant Classification Sherloc (09022015). Collection method: clinical testing. Allele origin: germline.
Comment: This sequence change replaces valine, which is neutral and non-polar, with methionine, which is neutral and non-polar, at codon 114 of the PCDH19 protein (p.Val114Met). This variant is not present in population databases (gnomAD no frequency). This variant has not been reported in the literature in individuals affected with PCDH19-related conditions. ClinVar contains an entry for this variant (Variation ID: 2549630). Invitae Evidence Modeling of protein sequence and biophysical properties (such as structural, functional, and spatial information, amino acid conservation, physicochemical variation, residue mobility, and thermodynamic stability) indicates that this missense variant is not expected to disrupt PCDH19 protein function with a negative predictive value of 95%. In summary, the available evidence is currently insufficient to determine the role of this variant in disease. Therefore, it has been classified as a Variant of Uncertain Significance.

Ambry Genetics
Classification: Uncertain significance for Inborn genetic diseases. Last evaluated: 2023-05-23. Review status: criteria provided, single submitter. Criteria: Ambry Variant Classification Scheme 2023. Collection method: clinical testing. Allele origin: germline.